The following is an entry in ClinVar:

NM_000143.4(FH):c.527A>T (p.His176Leu)

Gene: FH (fumarate hydratase; minus strand). Cytogenetic location: 1q43.
Variant type: single nucleotide variant.
Coding change: c.527A>T on transcript NM_000143.4 (MANE Select); coding-DNA position 527, A replaced by T.
Protein change: p.His176Leu; replaces histidine 176 with leucine.
Molecular consequence: missense variant.
Genome position (GRCh38, 1-based): chr1:241,511,995, T>A on the plus strand (A>T on the coding strand, the complement: FH is on the minus strand). VCF-style: chr1-241511995-T-A. GRCh37 (hg19) VCF-style: chr1-241675295-T-A.
Other names: short protein forms H176L.
Identifiers: ClinVar variation 1307164 (VCV001307164.4), dbSNP rs1158759883, ClinGen allele CA345439903.
Genomic context (GRCh38, chr1:241,511,995, plus strand): 5'-TAACCAAAAAACAGCAAAGCTCACATACTGACCTGGCTTTTATTAACATGATCGTTGGGA[T>A]GCACAGGTATCTTGCTGCCAAGTTCACCTCCTAACATTTCAATTGCTCTATTGCTAATGA-3'
Protein context (NP_000134.2, residues 166-186): GGELGSKIPV[His176Leu]PNDHVNKSQS

ClinVar aggregate classification (germline): Uncertain significance. Review status: criteria provided, multiple submitters, no conflicts (2 of 4 stars). 2 submissions from 2 submitters: Uncertain significance (2). Last evaluated 2024-09-19.

Allele frequency attached by ClinVar (database versions not stated): gnomAD exomes below 0.00001.
gnomAD v4.1: 1 of 1,614,018 alleles (0.000062%); highest among the groups gnomAD compares: Non-Finnish European, 0.000085%; no homozygotes.

Submissions (2):

Labcorp Genetics (formerly Invitae), Labcorp
Classification: Uncertain significance. Last evaluated: 2024-09-19. Review status: criteria provided, single submitter. Criteria: Invitae Variant Classification Sherloc (09022015). Collection method: clinical testing. Allele origin: germline.
Comment: This sequence change replaces histidine, which is basic and polar, with leucine, which is neutral and non-polar, at codon 176 of the FH protein (p.His176Leu). This variant is present in population databases (no rsID available, gnomAD 0.0009%). This variant has not been reported in the literature in individuals affected with FH-related conditions. ClinVar contains an entry for this variant (Variation ID: 1307164). Invitae Evidence Modeling of protein sequence and biophysical properties (such as structural, functional, and spatial information, amino acid conservation, physicochemical variation, residue mobility, and thermodynamic stability) indicates that this missense variant is expected to disrupt FH protein function with a positive predictive value of 95%. In summary, the available evidence is currently insufficient to determine the role of this variant in disease. Therefore, it has been classified as a Variant of Uncertain Significance.

GeneDx
Classification: Uncertain significance. Last evaluated: 2019-07-15. Review status: criteria provided, single submitter. Criteria: GeneDx Variant Classification Process June 2021. Collection method: clinical testing. Allele origin: germline. Affected: yes.
Comment: Not observed at a significant frequency in large population cohorts (Lek et al., 2016); In silico analysis, which includes protein predictors and evolutionary conservation, supports a deleterious effect; Has not been previously published as pathogenic or benign to our knowledge